The following is an entry in ClinVar:

ClinVar aggregate classification (germline): Uncertain significance (1 of 4 stars; one submission).

gnomAD v4.1: 12 of 1,592,412 alleles (0.00075%); highest among the groups gnomAD compares: East Asian, 0.0022%; no homozygotes.

Submission:

Women's Health and Genetics/Laboratory Corporation of America, LabCorp
Classification: Uncertain significance. Last evaluated: 2024-09-18. Review status: criteria provided, single submitter. Criteria: LabCorp Variant Classification Summary - May 2015. Collection method: clinical testing. Allele origin: germline.
Comment: Variant summary: CDH15 c.2434C>T (p.Arg812Trp) results in a non-conservative amino acid change in the encoded protein sequence. Three of five in-silico tools predict a benign effect of the variant on protein function. The variant allele was found at a frequency of 1.7e-05 in 231198 control chromosomes. The available data on variant occurrences in the general population are insufficient to allow any conclusion about variant significance. To our knowledge, no occurrence of c.2434C>T in individuals affected with Intellectual Disability, Autosomal Dominant 3 and no experimental evidence demonstrating its impact on protein function have been reported. No submitters have cited clinical-significance assessments for this variant to ClinVar. Based on the evidence outlined above, the variant was classified as uncertain significance.

NM_004933.3(CDH15):c.2434C>T (p.Arg812Trp)

Gene: CDH15 (cadherin 15; plus strand). Cytogenetic location: 16q24.3.
Variant type: single nucleotide variant.
Coding change: c.2434C>T on transcript NM_004933.3 (MANE Select); coding-DNA position 2434, C replaced by T.
Protein change: p.Arg812Trp; replaces arginine 812 with tryptophan.
Molecular consequence: missense variant.
Genome position (GRCh38, 1-based): chr16:89,195,144, C>T. VCF-style: chr16-89195144-C-T. GRCh37 (hg19) VCF-style: chr16-89261552-C-T.
Other names: short protein forms R812W.
Identifiers: ClinVar variation 3375388 (VCV003375388.1).